The following is an entry in ClinVar:

NM_021830.5(TWNK):c.1825C>T (p.Arg609Cys)

Gene: TWNK (twinkle mtDNA helicase; plus strand). Cytogenetic location: 10q24.31.
Variant type: single nucleotide variant.
Coding change: c.1825C>T on transcript NM_021830.5 (MANE Select); coding-DNA position 1825, C replaced by T.
Protein change: p.Arg609Cys; replaces arginine 609 with cysteine.
Molecular consequence: missense variant. On other transcripts: non-coding transcript variant (5), 3 prime UTR variant (2).
Genome position (GRCh38, 1-based): chr10:100,993,280, C>T. VCF-style: chr10-100993280-C-T. GRCh37 (hg19) VCF-style: chr10-102753037-C-T.
Other names: c.*120C>T (NM_001163812.2, NM_001163814.2); c.463C>T, p.Arg155Cys (NM_001163813.2, NM_001368275.1); c.1825C>T (NM_021830.4); short protein forms R155C, R609C.
Identifiers: ClinVar variation 2958218 (VCV002958218.4), dbSNP rs2493650371, ClinGen allele CA378212065.

ClinVar aggregate classification (germline): Uncertain significance. Review status: criteria provided, multiple submitters, no conflicts (2 of 4 stars). 2 submissions from 2 submitters: Uncertain significance (2). Last evaluated 2026-01-28.

Submissions (2):

GeneDx
Classification: Uncertain significance. Last evaluated: 2026-01-28. Review status: criteria provided, single submitter. Criteria: GeneDx Variant Classification Process June 2021. Collection method: clinical testing. Allele origin: germline.
Comment: Not observed at significant frequency in large population cohorts (gnomAD); In silico analysis supports that this missense variant has a deleterious effect on protein structure/function; Has not been previously published as pathogenic or benign to our knowledge

Labcorp Genetics (formerly Invitae), Labcorp
Classification: Uncertain significance. Last evaluated: 2023-09-08. Review status: criteria provided, single submitter. Criteria: Invitae Variant Classification Sherloc (09022015). Collection method: clinical testing. Allele origin: germline.
Comment: In summary, the available evidence is currently insufficient to determine the role of this variant in disease. Therefore, it has been classified as a Variant of Uncertain Significance. Advanced modeling of protein sequence and biophysical properties (such as structural, functional, and spatial information, amino acid conservation, physicochemical variation, residue mobility, and thermodynamic stability) performed at Invitae indicates that this missense variant is expected to disrupt TWNK protein function. This variant has not been reported in the literature in individuals affected with TWNK-related conditions. This variant is not present in population databases (gnomAD no frequency). This sequence change replaces arginine, which is basic and polar, with cysteine, which is neutral and slightly polar, at codon 609 of the TWNK protein (p.Arg609Cys).